The following is an entry in ClinVar:

NM_001004702.2(OR4C3):c.570G>A (p.Thr190=)

Gene: OR4C3 (olfactory receptor family 4 subfamily C member 3; plus strand). Cytogenetic location: 11p11.2.
Variant type: single nucleotide variant.
Coding change: c.570G>A on transcript NM_001004702.2 (MANE Select); coding-DNA position 570, G replaced by A.
Protein change: p.Thr190=; no amino-acid change (threonine 190 retained).
Molecular consequence: synonymous variant.
Genome position (GRCh38, 1-based): chr11:48,325,591, G>A. VCF-style: chr11-48325591-G-A. GRCh37 (hg19) VCF-style: chr11-48347143-G-A.
Identifiers: ClinVar variation 3067279 (VCV003067279.21), dbSNP rs753422717, ClinGen allele CA5984410.

ClinVar aggregate classification (germline): Likely benign (1 of 4 stars; one submission).

Allele frequency attached by ClinVar (database versions not stated): gnomAD 0.00007.

Submission:

CeGaT Center for Human Genetics Tuebingen
Classification: Likely benign. Last evaluated: 2025-12-01. Review status: criteria provided, single submitter. Criteria: CeGaT Center For Human Genetics Tuebingen Variant Classification Criteria Version 2. Collection method: clinical testing. Allele origin: germline. Affected: yes. Observed: 8 variant alleles.
Comment: OR4C3: BP4, BP7